The following is an entry in ClinVar:

ClinVar aggregate classification (germline): Uncertain significance (1 of 4 stars; one submission).

Conditions:
Achondrogenesis, type IA (ACG1A). Identifiers: Orphanet 932, Orphanet 93299, MedGen C0265273, MONDO:0008701, OMIM 200600.

Submission:

Labcorp Genetics (formerly Invitae), Labcorp
Classification: Uncertain significance for Achondrogenesis, type IA. Last evaluated: 2021-07-27. Review status: criteria provided, single submitter. Criteria: Invitae Variant Classification Sherloc (09022015). Collection method: clinical testing. Allele origin: germline.
Comment: In summary, the available evidence is currently insufficient to determine the role of this variant in disease. Therefore, it has been classified as a Variant of Uncertain Significance. Algorithms developed to predict the effect of missense changes on protein structure and function output the following: SIFT: "Not Available"; PolyPhen-2: "Benign"; Align-GVGD: "Not Available". The valine amino acid residue is found in multiple mammalian species, suggesting that this missense change does not adversely affect protein function. These predictions have not been confirmed by published functional studies and their clinical significance is uncertain. This variant has not been reported in the literature in individuals with TRIP11-related conditions. This variant is not present in population databases (ExAC no frequency). This sequence change replaces alanine with valine at codon 672 of the TRIP11 protein (p.Ala672Val). The alanine residue is weakly conserved and there is a small physicochemical difference between alanine and valine.

NM_004239.4(TRIP11):c.2015C>T (p.Ala672Val)

Gene: TRIP11 (thyroid hormone receptor interactor 11; minus strand). Cytogenetic location: 14q32.12.
Variant type: single nucleotide variant.
Coding change: c.2015C>T on transcript NM_004239.4 (MANE Select); coding-DNA position 2015, C replaced by T.
Protein change: p.Ala672Val; replaces alanine 672 with valine.
Molecular consequence: missense variant.
Genome position (GRCh38, 1-based): chr14:92,005,961, G>A on the plus strand (C>T on the coding strand, the complement: TRIP11 is on the minus strand). VCF-style: chr14-92005961-G-A. GRCh37 (hg19) VCF-style: chr14-92472305-G-A.
Other names: c.2012C>T, p.Ala671Val (NM_001321851.1); short protein forms A672V, A671V.
Identifiers: ClinVar variation 1400547 (VCV001400547.8), dbSNP rs1177784939, ClinGen allele CA390658925.